The following is an entry in ClinVar:

NM_015650.4(TRAF3IP1):c.1261+2T>A

Gene: TRAF3IP1 (TRAF3 interacting protein 1; plus strand). Cytogenetic location: 2q37.3.
Variant type: single nucleotide variant.
Coding change: c.1261+2T>A on transcript NM_015650.4 (MANE Select); the canonical splice donor site of the intron after coding-DNA position 1261, T replaced by A.
Molecular consequence: splice donor variant. On other transcripts: intron variant (1).
Genome position (GRCh38, 1-based): chr2:238,344,600, T>A. VCF-style: chr2-238344600-T-A. GRCh37 (hg19) VCF-style: chr2-239253241-T-A.
Other names: c.1064-2855T>A (NM_001139490.1).
Identifiers: ClinVar variation 2108804 (VCV002108804.4), dbSNP rs1363426044, ClinGen allele CA351251123.

ClinVar aggregate classification (germline): Likely pathogenic (1 of 4 stars; one submission).

Allele frequency attached by ClinVar (database versions not stated): gnomAD exomes below 0.00001.
gnomAD v4.1: 1 of 1,613,312 alleles (0.000062%); highest among the groups gnomAD compares: Admixed American, 0.0017%; no homozygotes.

Submission:

Labcorp Genetics (formerly Invitae), Labcorp
Classification: Likely pathogenic. Last evaluated: 2022-07-26. Review status: criteria provided, single submitter. Criteria: Invitae Variant Classification Sherloc (09022015). Collection method: clinical testing. Allele origin: germline.
Comment: This variant is present in population databases (no rsID available, gnomAD 0.003%). This sequence change affects a donor splice site in intron 9 of the TRAF3IP1 gene. It is expected to disrupt RNA splicing. Variants that disrupt the donor or acceptor splice site typically lead to a loss of protein function (PMID: 16199547), and loss-of-function variants in TRAF3IP1 are known to be pathogenic (PMID: 21945076, 26487268, 29068549). This variant has not been reported in the literature in individuals affected with TRAF3IP1-related conditions. Algorithms developed to predict the effect of sequence changes on RNA splicing suggest that this variant may disrupt the consensus splice site. In summary, the currently available evidence indicates that the variant is pathogenic, but additional data are needed to prove that conclusively. Therefore, this variant has been classified as Likely Pathogenic.

Literature cited by the submitters: PubMed 16199547; PubMed 21945076; PubMed 26487268; PubMed 29068549.